The following is an entry in ClinVar:

ClinVar aggregate classification (germline): Uncertain significance (1 of 4 stars; one submission).

Conditions:
Autosomal recessive limb-girdle muscular dystrophy type 2J (LGMDR10). Also called: Limb-girdle muscular dystrophy, type 2J; MUSCULAR DYSTROPHY, LIMB-GIRDLE, AUTOSOMAL RECESSIVE 10. Identifiers: Orphanet 140922, MedGen C1837342, MONDO:0012127, OMIM 608807.
Dilated cardiomyopathy 1G (CMD1G). Identifiers: Orphanet 154, MedGen C1858763, MONDO:0011400, OMIM 604145.

gnomAD v4.1: 2 of 1,609,828 alleles (0.00012%); highest among the groups gnomAD compares: Non-Finnish European, 0.00017%; no homozygotes.

Submission:

Labcorp Genetics (formerly Invitae), Labcorp
Classification: Uncertain significance for Dilated cardiomyopathy 1G; Autosomal recessive limb-girdle muscular dystrophy type 2J. Last evaluated: 2025-10-29. Review status: criteria provided, single submitter. Criteria: Invitae Variant Classification Sherloc (09022015). Collection method: clinical testing. Allele origin: germline.
Comment: This sequence change replaces arginine, which is basic and polar, with leucine, which is neutral and non-polar, at codon 33903 of the TTN protein (p.Arg33903Leu). This variant is not present in population databases (gnomAD no frequency). This missense change has been observed in individual(s) with dilated cardiomyopathy (PMID: 26567375). ClinVar contains an entry for this variant (Variation ID: 3761302). Experimental studies and prediction algorithms are not available or were not evaluated, and the functional significance of this variant is currently unknown. This variant is located in the M band of TTN (PMID: 25589632). Non-truncating variants in this region may be relevant for neuromuscular disorders, but have not been definitively shown to cause cardiomyopathy (PMID: 23975875). In summary, the available evidence is currently insufficient to determine the role of this variant in disease. Therefore, it has been classified as a Variant of Uncertain Significance.

Literature cited by the submitters: PubMed 26567375; PubMed 25589632; PubMed 23975875.

NM_001267550.2(TTN):c.101708G>T (p.Arg33903Leu)

Genes: TTN (titin; minus strand), TTN-AS1 (TTN antisense RNA 1; plus strand). Cytogenetic location: 2q31.2.
Variant type: single nucleotide variant.
Coding change: c.101708G>T on transcript NM_001267550.2 (MANE Select); coding-DNA position 101708, G replaced by T.
Protein change: p.Arg33903Leu; replaces arginine 33903 with leucine.
Molecular consequence: missense variant.
Genome position (GRCh38, 1-based): chr2:178,534,907, C>A on the plus strand (G>T on the coding strand, the complement: TTN is on the minus strand). VCF-style: chr2-178534907-C-A. GRCh37 (hg19) VCF-style: chr2-179399634-C-A.
Other names: c.96785G>T, p.Arg32262Leu (NM_001256850.1); c.74513G>T, p.Arg24838Leu (NM_003319.4); c.94004G>T, p.Arg31335Leu (NM_133378.4); c.74888G>T, p.Arg24963Leu (NM_133432.3); c.75089G>T, p.Arg25030Leu (NM_133437.4); short protein forms R24838L, R24963L, R25030L, R31335L, R32262L, R33903L.
Identifiers: ClinVar variation 3761302 (VCV003761302.2).